The following is an entry in ClinVar:

ClinVar aggregate classification (germline): Uncertain significance (1 of 4 stars; one submission).

Conditions:
Neuromuscular disease caused by qualitative or quantitative defects of dysferlin. Also called: Dysferlinopathy; Qualitative or quantitative defects of dysferlin. Identifiers: Orphanet 207073, MedGen C2931687, MONDO:0016145.

Allele frequency attached by ClinVar (database versions not stated): gnomAD 0.00001.
gnomAD v4.1: 15 of 1,613,434 alleles (0.00093%); highest among the groups gnomAD compares: Admixed American, 0.0033%; no homozygotes.

Submission:

Labcorp Genetics (formerly Invitae), Labcorp
Classification: Uncertain significance for Neuromuscular disease caused by qualitative or quantitative defects of dysferlin. Last evaluated: 2022-10-18. Review status: criteria provided, single submitter. Criteria: Invitae Variant Classification Sherloc (09022015). Collection method: clinical testing. Allele origin: germline.
Comment: This sequence change falls in intron 28 of the DYSF gene. It does not directly change the encoded amino acid sequence of the DYSF protein. It affects a nucleotide within the consensus splice site. This variant is present in population databases (rs781636911, gnomAD 0.006%). This variant has not been reported in the literature in individuals affected with DYSF-related conditions. ClinVar contains an entry for this variant (Variation ID: 1489702). Variants that disrupt the consensus splice site are a relatively common cause of aberrant splicing (PMID: 17576681, 9536098). Algorithms developed to predict the effect of sequence changes on RNA splicing suggest that this variant is not likely to affect RNA splicing. In summary, the available evidence is currently insufficient to determine the role of this variant in disease. Therefore, it has been classified as a Variant of Uncertain Significance.

Literature cited by the submitters: PubMed 17576681; PubMed 9536098.

NM_001130987.2(DYSF):c.3086-3C>A

Gene: DYSF (dysferlin; plus strand). Cytogenetic location: 2p13.2.
Variant type: single nucleotide variant.
Coding change: c.3086-3C>A on transcript NM_001130987.2 (MANE Select); 3 bases into the intron before coding-DNA position 3086, C replaced by A.
Molecular consequence: intron variant.
Genome position (GRCh38, 1-based): chr2:71,570,596, C>A. VCF-style: chr2-71570596-C-A. GRCh37 (hg19) VCF-style: chr2-71797726-C-A.
Other names: c.3125-3C>A (NM_001130979.2); c.3083-3C>A (NM_001130981.2, NM_001130980.2); c.3032-3C>A (NM_001130978.2, NM_003494.4); c.2990-3C>A (NM_001130977.2, NM_001130976.2); c.3128-3C>A (NM_001130982.2); c.3086-3C>A (NM_001130985.2); c.3035-3C>A (NM_001130983.2, NM_001130455.2); c.2993-3C>A (NM_001130984.2, NM_001130986.2).
Identifiers: ClinVar variation 1489702 (VCV001489702.3), dbSNP rs781636911, ClinGen allele CA1706419.